The following is an entry in ClinVar:

NM_001136191.3(KANK2):c.601C>A (p.Gln201Lys)

Gene: KANK2 (KN motif and ankyrin repeat domains 2; minus strand). Cytogenetic location: 19p13.2.
Variant type: single nucleotide variant.
Coding change: c.601C>A on transcript NM_001136191.3 (MANE Select); coding-DNA position 601, C replaced by A.
Protein change: p.Gln201Lys; replaces glutamine 201 with lysine.
Molecular consequence: missense variant.
Genome position (GRCh38, 1-based): chr19:11,193,479, G>T on the plus strand (C>A on the coding strand, the complement: KANK2 is on the minus strand). VCF-style: chr19-11193479-G-T. GRCh37 (hg19) VCF-style: chr19-11304155-G-T.
Other names: c.601C>A (NM_015493.6); c.601C>A, p.Gln201Lys (NM_001329451.2, NM_001379548.1, NM_001379549.1 and 15 more transcripts); short protein forms Q201K.
Identifiers: ClinVar variation 1317449 (VCV001317449.13), dbSNP rs148328896, ClinGen allele CA9206012.
Genomic context (GRCh38, chr19:11,193,479, plus strand): 5'-CCTGGAGCACCGAGAGCTTCACCTGGAGCACAGGGATCAGCTTCACCTGCTCCTCCAGCT[G>T]CCGCAGCTTCCGCAGGGCACCCGCCATCTGCTCCCGCACGTGGGCCAGGTGCCCGGCACT-3'
Protein context (NP_001129663.1, residues 191-211): QMAGALRKLR[Gln201Lys]LEEQVKLIPV

ClinVar aggregate classification (germline): Likely benign. Review status: criteria provided, multiple submitters, no conflicts (2 of 4 stars). 5 submissions from 5 submitters: Likely benign (4). 1 of the submissions does not count toward it. Last evaluated 2025-12-15.

Conditions:
KANK2-related disorder. Also called: KANK2-related condition.

Allele frequency attached by ClinVar (database versions not stated): 1000 Genomes Project 0.00140; 1000 Genomes Project 30x 0.00141; TOPMed 0.00176; gnomAD 0.00182 and 0.00187; ExAC 0.00192; gnomAD exomes 0.00195; ESP Exome Variant Server 0.00208.
gnomAD v4.1: 4,311 of 1,611,392 alleles (0.27%); highest among the groups gnomAD compares: Non-Finnish European, 0.33%; 13 homozygotes.

Submissions (5):

Labcorp Genetics (formerly Invitae), Labcorp
Classification: Likely benign. Last evaluated: 2025-12-15. Review status: criteria provided, single submitter. Criteria: Invitae Variant Classification Sherloc (09022015). Collection method: clinical testing. Allele origin: germline.

Blueprint Genetics
Classification: Likely benign. Last evaluated: 2024-11-21. Review status: criteria provided, single submitter. Criteria: ACMG Guidelines, 2015. Collection method: clinical testing. Allele origin: germline.

GeneDx
Classification: Likely benign. Last evaluated: 2021-01-29. Review status: criteria provided, single submitter. Criteria: GeneDx Variant Classification Process June 2021. Collection method: clinical testing. Allele origin: germline. Affected: yes.

Breakthrough Genomics
Classification: Likely benign. Review status: criteria provided, single submitter. Criteria: ACMG Guidelines, 2015. Collection method: not provided. Allele origin: germline. Inheritance: Autosomal recessive inheritance. Affected: yes.

PreventionGenetics, part of Exact Sciences
Classification: Likely benign for KANK2-related condition. Last evaluated: 2020-06-05. Review status: no assertion criteria provided. Collection method: clinical testing. Allele origin: germline. Not counted in ClinVar's aggregate classification.
Comment: This variant is classified as likely benign based on ACMG/AMP sequence variant interpretation guidelines (Richards et al. 2015 PMID: 25741868, with internal and published modifications).